The following is an entry in ClinVar:

ClinVar aggregate classification (germline): Pathogenic (1 of 4 stars; one submission).

Conditions:
Duchenne muscular dystrophy (DMD). Also called: Duchenne Muscular Dystrophy (DMD); MUSCULAR DYSTROPHY, PSEUDOHYPERTROPHIC PROGRESSIVE, DUCHENNE TYPE. Identifiers: Orphanet 98896, MedGen C0013264, MONDO:0010679, OMIM 310200.

Submission:

Labcorp Genetics (formerly Invitae), Labcorp
Classification: Pathogenic for Duchenne muscular dystrophy. Last evaluated: 2021-11-09. Review status: criteria provided, single submitter. Criteria: Invitae Variant Classification Sherloc (09022015). Collection method: clinical testing. Allele origin: germline.
Comment: This variant is not present in population databases (gnomAD no frequency). This sequence change creates a premature translational stop signal (p.Asn2758Thrfs*6) in the DMD gene. It is expected to result in an absent or disrupted protein product. Loss-of-function variants in DMD are known to be pathogenic (PMID: 16770791, 25007885). This variant has not been reported in the literature in individuals affected with DMD-related conditions. For these reasons, this variant has been classified as Pathogenic.

Literature cited by the submitters: PubMed 16770791; PubMed 25007885.

NM_004006.3(DMD):c.8273del (p.Asn2758fs)

Gene: DMD (dystrophin; minus strand). Cytogenetic location: Xp21.1.
Variant type: Deletion.
Coding change: c.8273del on transcript NM_004006.3 (MANE Select); coding-DNA position 8273, one base deleted (A; older notation c.8273delA).
Protein change: p.Asn2758fs; shifts the reading frame from asparagine 2758.
Molecular consequence: frameshift variant.
Genome position (GRCh38, 1-based): chrX:31,507,398, T deleted on the plus strand (A on the coding strand, the reverse complement: DMD is on the minus strand); the first of 4 consecutive T bases (chrX:31,507,398-31,507,401); deleting any one gives the same sequence. VCF-style (leftmost placement, unchanged base first): chrX-31507397-GT-G. GRCh37 (hg19) VCF-style: chrX-31525514-GT-G.
Other names: c.8249del, p.Asn2750fs (NM_000109.4); c.8261del, p.Asn2754fs (NM_004009.3); c.7904del, p.Asn2635fs (NM_004010.3); c.4250del, p.Asn1417fs (NM_004011.4); c.4241del, p.Asn1414fs (NM_004012.4); c.893del, p.Asn298fs (NM_004013.3, NM_004020.4, NM_004021.3 and 2 more transcripts); c.86del, p.Asn29fs (NM_004014.3); short protein forms N1417fs, N1414fs, N2750fs, N2754fs, N2758fs, N298fs, N29fs, N2635fs.
Identifiers: ClinVar variation 1453150 (VCV001453150.6), dbSNP rs2147177179, ClinGen allele CA2573158629.